The following is an entry in ClinVar:

ClinVar aggregate classification (germline): Uncertain significance. Review status: criteria provided, multiple submitters, no conflicts (2 of 4 stars). 2 submissions from 2 submitters: Uncertain significance (2). Last evaluated 2025-07-29.

Conditions:
Hereditary spastic paraplegia 73. Also called: Spastic paraplegia 73, autosomal dominant. Identifiers: Orphanet 444099, MedGen C5568981, MONDO:0014568, OMIM 616282.

gnomAD v4.1: 10 of 1,613,912 alleles (0.00062%); highest among the groups gnomAD compares: South Asian, 0.0022%; no homozygotes.

Submissions (2):

Labcorp Genetics (formerly Invitae), Labcorp
Classification: Uncertain significance for Hereditary spastic paraplegia 73. Last evaluated: 2025-07-29. Review status: criteria provided, single submitter. Criteria: Invitae Variant Classification Sherloc (09022015). Collection method: clinical testing. Allele origin: germline.
Comment: This sequence change replaces arginine, which is basic and polar, with tryptophan, which is neutral and slightly polar, at codon 587 of the CPT1C protein (p.Arg587Trp). This variant is present in population databases (no rsID available, gnomAD 0.003%). This variant has not been reported in the literature in individuals affected with CPT1C-related conditions. ClinVar contains an entry for this variant (Variation ID: 4006438). Invitae Evidence Modeling of protein sequence and biophysical properties (such as structural, functional, and spatial information, amino acid conservation, physicochemical variation, residue mobility, and thermodynamic stability) indicates that this missense variant is expected to disrupt CPT1C protein function with a positive predictive value of 80%. In summary, the available evidence is currently insufficient to determine the role of this variant in disease. Therefore, it has been classified as a Variant of Uncertain Significance.

Ambry Genetics
Classification: Uncertain significance. Last evaluated: 2025-03-22. Review status: criteria provided, single submitter. Criteria: Ambry Variant Classification Scheme 2023. Collection method: clinical testing. Allele origin: germline.

NM_001199753.2(CPT1C):c.1792C>T (p.Arg598Trp)

Gene: CPT1C (carnitine palmitoyltransferase 1C; plus strand). Cytogenetic location: 19q13.33.
Variant type: single nucleotide variant.
Coding change: c.1792C>T on transcript NM_001199753.2 (MANE Select); coding-DNA position 1792, C replaced by T.
Protein change: p.Arg598Trp; replaces arginine 598 with tryptophan.
Molecular consequence: missense variant. On other transcripts: non-coding transcript variant (1), intron variant (3).
Genome position (GRCh38, 1-based): chr19:49,710,783, C>T. VCF-style: chr19-49710783-C-T. GRCh37 (hg19) VCF-style: chr19-50214040-C-T.
Other names: c.1759C>T, p.Arg587Trp (NM_001136052.3, NM_001378485.1); c.1792C>T, p.Arg598Trp (NM_001199752.3, NM_001378483.1, NM_001378484.1 and 1 more transcripts); c.1858C>T, p.Arg620Trp (NM_001378482.1); c.1731+299C>T (NM_001378486.1, NM_001378488.1); c.1698+299C>T (NM_001378487.1); short protein forms R587W, R598W, R620W.
Identifiers: ClinVar variation 4006438 (VCV004006438.2).